The following is an entry in ClinVar:

NM_176824.3(BBS7):c.850-1G>T

Gene: BBS7 (Bardet-Biedl syndrome 7; minus strand). Cytogenetic location: 4q27.
Variant type: single nucleotide variant.
Coding change: c.850-1G>T on transcript NM_176824.3 (MANE Select); the canonical splice acceptor site of the intron before coding-DNA position 850, G replaced by T.
Molecular consequence: splice acceptor variant.
Genome position (GRCh38, 1-based): chr4:121,848,929, C>A on the plus strand (G>T on the coding strand, the complement: BBS7 is on the minus strand). VCF-style: chr4-121848929-C-A. GRCh37 (hg19) VCF-style: chr4-122770084-C-A.
Other names: c.850-1G>T (NM_018190.4).
Identifiers: ClinVar variation 4991900 (VCV004991900.1).

ClinVar aggregate classification (germline): Likely pathogenic (1 of 4 stars; one submission).

Conditions:
BBS7-related disorder. Also called: BBS7-related condition.

Submission:

PreventionGenetics, part of Exact Sciences
Classification: Likely pathogenic for BBS7-related condition. Last evaluated: 2026-07-27. Review status: criteria provided, single submitter. Criteria: ACMG Guidelines, 2015. Collection method: clinical testing. Allele origin: germline.
Comment: The BBS7 c.850-1G>T variant is predicted to disrupt the AG splice acceptor site and interfere with normal splicing. To our knowledge, this variant has not been reported in the literature or in a large population database (gnomAD), indicating this variant is rare. Variants that disrupt the consensus splice acceptor site in BBS7 are expected to be pathogenic. This variant is interpreted as likely pathogenic.